The following is an entry in ClinVar:

ClinVar aggregate classification (germline): Uncertain significance. Review status: criteria provided, multiple submitters, no conflicts (2 of 4 stars). 3 submissions from 3 submitters: Uncertain significance (3). Last evaluated 2025-02-16.

Allele frequency attached by ClinVar (database versions not stated): TOPMed 0.00002; gnomAD 0.00004; ExAC 0.00007; gnomAD exomes 0.00010.
gnomAD v4.1: 94 of 1,614,052 alleles (0.0058%); highest among the groups gnomAD compares: Middle Eastern, 0.033%; no homozygotes.

Submissions (3):

Labcorp Genetics (formerly Invitae), Labcorp
Classification: Uncertain significance. Last evaluated: 2025-02-16. Review status: criteria provided, single submitter. Criteria: Invitae Variant Classification Sherloc (09022015). Collection method: clinical testing. Allele origin: germline.
Comment: This sequence change replaces arginine, which is basic and polar, with cysteine, which is neutral and slightly polar, at codon 315 of the ORC1 protein (p.Arg315Cys). This variant is present in population databases (rs201265198, gnomAD 0.04%). This variant has not been reported in the literature in individuals affected with ORC1-related conditions. ClinVar contains an entry for this variant (Variation ID: 211803). Invitae Evidence Modeling of protein sequence and biophysical properties (such as structural, functional, and spatial information, amino acid conservation, physicochemical variation, residue mobility, and thermodynamic stability) indicates that this missense variant is not expected to disrupt ORC1 protein function with a negative predictive value of 80%. In summary, the available evidence is currently insufficient to determine the role of this variant in disease. Therefore, it has been classified as a Variant of Uncertain Significance.

Blueprint Genetics
Classification: Uncertain significance. Last evaluated: 2024-09-02. Review status: criteria provided, single submitter. Criteria: ACMG Guidelines, 2015. Collection method: clinical testing. Allele origin: germline.

Genetic Services Laboratory, University of Chicago
Classification: Uncertain significance. Last evaluated: 2015-06-17. Review status: criteria provided, single submitter. Criteria: ACMG Guidelines, 2015. Collection method: clinical testing. Allele origin: germline.

NM_004153.4(ORC1):c.943C>T (p.Arg315Cys)

Gene: ORC1 (origin recognition complex subunit 1; minus strand). Cytogenetic location: 1p32.3.
Variant type: single nucleotide variant.
Coding change: c.943C>T on transcript NM_004153.4 (MANE Select); coding-DNA position 943, C replaced by T.
Protein change: p.Arg315Cys; replaces arginine 315 with cysteine.
Molecular consequence: missense variant.
Genome position (GRCh38, 1-based): chr1:52,393,582, G>A on the plus strand (C>T on the coding strand, the complement: ORC1 is on the minus strand). VCF-style: chr1-52393582-G-A. GRCh37 (hg19) VCF-style: chr1-52859254-G-A.
Other names: c.943C>T, p.Arg315Cys (NM_001190818.2, NM_001190819.2); short protein forms R315C.
Identifiers: ClinVar variation 211803 (VCV000211803.13), dbSNP rs201265198, ClinGen allele CA205531.